The following is an entry in ClinVar:

NM_000836.4(GRIN2D):c.3766G>A (p.Ala1256Thr)

Gene: GRIN2D (glutamate ionotropic receptor NMDA type subunit 2D; plus strand). Cytogenetic location: 19q13.33.
Variant type: single nucleotide variant.
Coding change: c.3766G>A on transcript NM_000836.4 (MANE Select); coding-DNA position 3766, G replaced by A.
Protein change: p.Ala1256Thr; replaces alanine 1256 with threonine.
Molecular consequence: missense variant.
Genome position (GRCh38, 1-based): chr19:48,443,692, G>A. VCF-style: chr19-48443692-G-A. GRCh37 (hg19) VCF-style: chr19-48946949-G-A.
Other names: c.3766G>A (NM_000836.2); short protein forms A1256T.
Identifiers: ClinVar variation 1441052 (VCV001441052.7), dbSNP rs1320266946, ClinGen allele CA406678105.
Genomic context (GRCh38, chr19:48,443,692, plus strand): 5'-CCGCGGGCCTCGCACCGCACGCCCGCCGCCGCCGCGCCCCACCACCACAGGCACCGGCGC[G>A]CCGCTGGGGGCTGGGACCTCCCGCCGCCCGCGCCCACCTCGCGCTCGCTCGAGGACCTCA-3'
Protein context (NP_000827.2, residues 1246-1266): AAPHHHRHRR[Ala1256Thr]AGGWDLPPPA

ClinVar aggregate classification (germline): Uncertain significance. Review status: criteria provided, multiple submitters, no conflicts (2 of 4 stars). 2 submissions from 2 submitters: Uncertain significance (2). Last evaluated 2024-02-17.

Conditions:
Inborn genetic diseases. Identifiers: MedGen C0950123, MeSH D030342.

Allele frequency attached by ClinVar (database versions not stated): gnomAD exomes 0.00001; gnomAD 0.00003; TOPMed 0.00006.
gnomAD v4.1: 12 of 1,234,122 alleles (0.00097%); highest among the groups gnomAD compares: East Asian, 0.035%; no homozygotes.

Submissions (2):

Labcorp Genetics (formerly Invitae), Labcorp
Classification: Uncertain significance. Last evaluated: 2024-02-17. Review status: criteria provided, single submitter. Criteria: Invitae Variant Classification Sherloc (09022015). Collection method: clinical testing. Allele origin: germline.
Comment: This sequence change replaces alanine, which is neutral and non-polar, with threonine, which is neutral and polar, at codon 1256 of the GRIN2D protein (p.Ala1256Thr). This variant is present in population databases (no rsID available, gnomAD 0.06%). This variant has not been reported in the literature in individuals affected with GRIN2D-related conditions. ClinVar contains an entry for this variant (Variation ID: 1441052). Advanced modeling of protein sequence and biophysical properties (such as structural, functional, and spatial information, amino acid conservation, physicochemical variation, residue mobility, and thermodynamic stability) performed at Invitae indicates that this missense variant is not expected to disrupt GRIN2D protein function with a negative predictive value of 95%. In summary, the available evidence is currently insufficient to determine the role of this variant in disease. Therefore, it has been classified as a Variant of Uncertain Significance.

Ambry Genetics
Classification: Uncertain significance for Inborn genetic diseases. Last evaluated: 2023-10-14. Review status: criteria provided, single submitter. Criteria: Ambry Variant Classification Scheme 2023. Collection method: clinical testing. Allele origin: germline.